The following is an entry in ClinVar:

ClinVar aggregate classification (germline): Uncertain significance (1 of 4 stars; one submission).

Conditions:
Methylmalonic aciduria and homocystinuria type cblD (MAHCD). Also called: Methylmalonic aciduria with homocystinuria cblD type; METHYLMALONIC ACIDEMIA, cblH TYPE. Identifiers: Orphanet 622, Orphanet 79283, MedGen C1848552, MONDO:0010185, OMIM 277410.

gnomAD v4.1: 1 of 1,613,810 alleles (0.000062%); highest among the groups gnomAD compares: Non-Finnish European, 0.000085%; no homozygotes.

Submission:

Labcorp Genetics (formerly Invitae), Labcorp
Classification: Uncertain significance for Methylmalonic aciduria and homocystinuria type cblD. Last evaluated: 2024-10-07. Review status: criteria provided, single submitter. Criteria: Invitae Variant Classification Sherloc (09022015). Collection method: clinical testing. Allele origin: germline.
Comment: This sequence change replaces valine, which is neutral and non-polar, with leucine, which is neutral and non-polar, at codon 256 of the MMADHC protein (p.Val256Leu). This variant is not present in population databases (gnomAD no frequency). This variant has not been reported in the literature in individuals affected with MMADHC-related conditions. ClinVar contains an entry for this variant (Variation ID: 1926094). Invitae Evidence Modeling of protein sequence and biophysical properties (such as structural, functional, and spatial information, amino acid conservation, physicochemical variation, residue mobility, and thermodynamic stability) indicates that this missense variant is not expected to disrupt MMADHC protein function with a negative predictive value of 80%. In summary, the available evidence is currently insufficient to determine the role of this variant in disease. Therefore, it has been classified as a Variant of Uncertain Significance.

NM_015702.3(MMADHC):c.766G>C (p.Val256Leu)

Gene: MMADHC (metabolism of cobalamin associated D; minus strand). Cytogenetic location: 2q23.2.
Variant type: single nucleotide variant.
Coding change: c.766G>C on transcript NM_015702.3 (MANE Select); coding-DNA position 766, G replaced by C.
Protein change: p.Val256Leu; replaces valine 256 with leucine.
Molecular consequence: missense variant.
Genome position (GRCh38, 1-based): chr2:149,570,099, C>G on the plus strand (G>C on the coding strand, the complement: MMADHC is on the minus strand). VCF-style: chr2-149570099-C-G. GRCh37 (hg19) VCF-style: chr2-150426613-C-G.
Other names: short protein forms V256L.
Identifiers: ClinVar variation 1926094 (VCV001926094.4), dbSNP rs748309103, ClinGen allele CA348869241.
Genomic context (GRCh38, chr2:149,570,099, plus strand): 5'-CAACTACATGGGTACCCCAGAGACTATGACGAATCACTTTACAGCATCCAAGGTCATCAA[C>G]AGAGAATCCTAAATGTCGGTAGCGTTCATCAGTTTCAAAAAGAGTGTTGTTTGTATATGG-3'
Protein context (NP_056517.1, residues 246-266): DERYRHLGFS[Val256Leu]DDLGCCKVIR